The following is an entry in ClinVar:

NM_058216.3(RAD51C):c.168A>C (p.Glu56Asp)

Gene: RAD51C (RAD51 paralog C; plus strand). Cytogenetic location: 17q22.
Variant type: single nucleotide variant.
Coding change: c.168A>C on transcript NM_058216.3 (MANE Select); coding-DNA position 168, A replaced by C.
Protein change: p.Glu56Asp; replaces glutamic acid 56 with aspartic acid.
Molecular consequence: missense variant. On other transcripts: non-coding transcript variant (2).
Genome position (GRCh38, 1-based): chr17:58,694,953, A>C. VCF-style: chr17-58694953-A-C. GRCh37 (hg19) VCF-style: chr17-56772314-A-C.
Other names: c.168A>C, p.Glu56Asp (NM_002876.4); short protein forms E56D.
Identifiers: ClinVar variation 1332166 (VCV001332166.3), dbSNP rs2143717964, ClinGen allele CA400339677.

ClinVar aggregate classification (germline): Uncertain significance (1 of 4 stars; one submission).

Conditions:
Hereditary cancer-predisposing syndrome. Also called: Tumor predisposition; Hereditary Cancer Syndrome; Neoplastic Syndromes, Hereditary; Hereditary neoplastic syndrome. Identifiers: Orphanet 140162, MedGen C0027672, MeSH D009386, MONDO:0015356.

Submission:

Color Diagnostics, LLC DBA Color Health
Classification: Uncertain significance for Hereditary cancer-predisposing syndrome. Last evaluated: 2024-03-06. Review status: criteria provided, single submitter. Criteria: ACMG Guidelines, 2015. Collection method: clinical testing. Allele origin: germline.
Comment: This missense variant replaces glutamic acid with aspartic acid at codon 56 of the RAD51C protein. Computational prediction suggests that this variant may not impact protein structure and function (internally defined REVEL score threshold <= 0.5, PMID: 27666373). To our knowledge, functional studies have not been reported for this variant. This variant has not been reported in individuals affected with hereditary cancer in the literature. This variant has not been identified in the general population by the Genome Aggregation Database (gnomAD). The available evidence is insufficient to determine the role of this variant in disease conclusively. Therefore, this variant is classified as a Variant of Uncertain Significance.